The following is an entry in ClinVar:

ClinVar aggregate classification (germline): Likely pathogenic (1 of 4 stars; one submission).

Conditions:
Autosomal dominant familial hematuria-retinal arteriolar tortuosity-contractures syndrome. Also called: Hereditary Angiopathy with Nephropathy, Aneurysms, and Muscle Cramps (HANAC) Syndrome; Angiopathy, hereditary, with nephropathy, aneurysms, and muscle cramps. Identifiers: Orphanet 73229, MedGen C2673195, MONDO:0012726, OMIM 611773.

Submission:

Institute of Human Genetics, University of Leipzig Medical Center
Classification: Likely pathogenic for Autosomal dominant familial hematuria-retinal arteriolar tortuosity-contractures syndrome. Last evaluated: 2022-07-15. Review status: criteria provided, single submitter. Criteria: ACMG Guidelines, 2015. Collection method: clinical testing. Allele origin: unknown. Affected: yes.
Comment: _x000D_ Criteria applied: PVS1, PM2_SUP

NM_001845.6:c.(4755+1_4756-1)_(4928+1_4929-1)del

Gene: COL4A1 (collagen type IV alpha 1 chain; minus strand).
Variant type: Deletion.
Other names: c.(4755+1_4756-1)_(4928+1_4929-1)del (NM_001845.6).
Identifiers: ClinVar variation 1697310 (VCV001697310.1).